The following is an entry in ClinVar:

ClinVar aggregate classification (germline): Uncertain significance. Review status: criteria provided, multiple submitters, no conflicts (2 of 4 stars). 6 submissions from 6 submitters: Uncertain significance (6). Last evaluated 2026-02-11.

Conditions:
Hereditary cancer-predisposing syndrome. Also called: Hereditary Cancer Syndrome; Hereditary neoplastic syndrome; Tumor predisposition; Neoplastic Syndromes, Hereditary. Identifiers: Orphanet 140162, MedGen C0027672, MeSH D009386, MONDO:0015356.
Multiple endocrine neoplasia type 2B. Also called: Multiple endocrine neoplasia, type 3; MEN 2B; MULTIPLE ENDOCRINE NEOPLASIA, TYPE IIB; MUCOSAL NEUROMA SYNDROME; Multiple Endocrine Neoplasia Type 2B (MEN2B); MEN IIB. Identifiers: Orphanet 247709, Orphanet 653, MedGen C0025269, MeSH D018814, MONDO:0008082, OMIM 162300.
Hirschsprung disease, susceptibility to, 1 (HSCR1). Also called: RET-Related Hirschsprung Disease. Identifiers: Orphanet 388, MedGen C3888239, MONDO:0007723, OMIM 142623.
Pheochromocytoma. Also called: MAX-Related Hereditary Paraganglioma-Pheochromocytoma Syndrome. Identifiers: Orphanet 29072, MedGen C0031511, MONDO:0008233, OMIM 171300, HP:0002666.
Multiple endocrine neoplasia type 2A. Also called: MULTIPLE ENDOCRINE NEOPLASIA, TYPE IIA; PTC SYNDROME; SIPPLE SYNDROME; MEN 2A; MEN-2A syndrome; Pheochromocytoma and amyloid producing medullary thyroid carcinoma. Identifiers: Orphanet 247698, Orphanet 653, MedGen C0025268, MeSH D018813, MONDO:0008234, OMIM 171400.
Familial medullary thyroid carcinoma (MTC). Also called: Thyroid cancer, familial medullary; MTC, familial; Familial Medullary Thyroid Carcinoma (FMTC). Identifiers: Orphanet 653, Orphanet 99361, MedGen C1833921, MONDO:0007958, OMIM 155240.
Multiple endocrine neoplasia, type 2 (MEN2). Identifiers: Orphanet 653, MedGen C4048306, MONDO:0019003. Disease mechanism: gain of function.

Allele frequency attached by ClinVar (database versions not stated): gnomAD 0.00001; gnomAD exomes 0.00001; TOPMed 0.00001.
gnomAD v4.1: 8 of 1,612,130 alleles (0.0005%); highest among the groups gnomAD compares: African/African-American, 0.0013%; no homozygotes.

Submissions (6):

St. Jude Molecular Pathology, St. Jude Children's Research Hospital
Classification: Uncertain significance for Multiple endocrine neoplasia type 2A. Last evaluated: 2026-02-11. Review status: criteria provided, single submitter. Criteria: St. Jude Assertion Criteria 2020. Collection method: clinical testing. Allele origin: germline.
Comment: The RET c.2078G>A p.(Arg693His) missense change is absent in gnomAD v2.1.1. The in silico tool REVEL is inconclusive about a pathogenic or benign effect of this variant on protein function. To our knowledge, this variant has not been reported in the literature in individuals with multiple endocrine neoplasia type II. In summary, the evidence currently available is insufficient to determine the clinical significance of this variant. It has therefore been classified as of uncertain significance.

Labcorp Genetics (formerly Invitae), Labcorp
Classification: Uncertain significance for Multiple endocrine neoplasia, type 2. Last evaluated: 2025-09-02. Review status: criteria provided, single submitter. Criteria: Invitae Variant Classification Sherloc (09022015). Collection method: clinical testing. Allele origin: germline.
Comment: This sequence change replaces arginine, which is basic and polar, with histidine, which is basic and polar, at codon 693 of the RET protein (p.Arg693His). This variant is not present in population databases (gnomAD no frequency). This missense change has been observed in individual(s) with hereditary cancer (PMID: 25151137). ClinVar contains an entry for this variant (Variation ID: 959187). An algorithm developed to predict the effect of missense changes on protein structure and function (PolyPhen-2) suggests that this variant is likely to be disruptive. In summary, the available evidence is currently insufficient to determine the role of this variant in disease. Therefore, it has been classified as a Variant of Uncertain Significance.

Women's Health and Genetics/Laboratory Corporation of America, LabCorp
Classification: Uncertain significance. Last evaluated: 2023-09-18. Review status: criteria provided, single submitter. Criteria: LabCorp Variant Classification Summary - May 2015. Collection method: clinical testing. Allele origin: germline.
Comment: Variant summary: RET c.2078G>A (p.Arg693His) results in a non-conservative amino acid change in the encoded protein sequence. Four of five in-silico tools predict a damaging effect of the variant on protein function. The variant was absent in 250044 control chromosomes. c.2078G>A has been reported in the literature in at least one individual with an unspecified cancer (Guan_2015). This report does not provide unequivocal conclusions about association of the variant with Multiple Endocrine Neoplasia Type 2. At least one publication reports experimental evidence evaluating an impact on protein function (Guan_2020). In the context of oncogenesis, this variant was reported to result in increased RET phosphorylation, increased anchorage-independent growth, increased activation of downstream AKT/ERK signaling, and increased tumor size in mouse xenografts compared to wild-type. These results are potentially consistent with a gain-of-function mechanism for Multiple Endocrine Neoplasia Type 2. The following publications have been ascertained in the context of this evaluation (PMID: 25151137, 32293499). Three submitters have cited clinical-significance assessments for this variant to ClinVar after 2014. All submitters classified the variant as uncertain significance. Based on the evidence outlined above, the variant was classified as VUS-possibly pathogenic.

All of Us Research Program, National Institutes of Health
Classification: Uncertain significance for Multiple endocrine neoplasia, type 2. Last evaluated: 2023-09-17. Review status: criteria provided, single submitter. Criteria: ACMG Guidelines, 2015. Collection method: clinical testing. Allele origin: germline. Inheritance: Autosomal dominant inheritance. Observed: 1 variant allele, 1 heterozygote.
Comment: This missense variant replaces arginine with histidine at codon 693 of the RET protein. Computational prediction is inconclusive regarding the impact of this variant on protein structure and function (internally defined REVEL score threshold 0.5 < inconclusive < 0.7, PMID: 27666373). A functional study has reported that this variant increased oncogenic transformation properties of RET in mammalian cell models (PMID: 32293499). To our knowledge, this variant has not been reported in individuals affected with hereditary cancer in the literature. This variant has not been identified in the general population by the Genome Aggregation Database (gnomAD). The available evidence is insufficient to determine the role of this variant in disease conclusively. Therefore, this variant is classified as a Variant of Uncertain Significance.

This study involves interpretation of variants in research participants for the purpose of population health screening. Participant phenotype was not available at the time of variant classification. Additional details can be found in publication PMID: 35346344, PMCID: PMC8962531

Ambry Genetics
Classification: Uncertain significance for Hereditary cancer-predisposing syndrome. Last evaluated: 2022-11-29. Review status: criteria provided, single submitter. Criteria: Ambry Variant Classification Scheme 2023. Collection method: clinical testing. Allele origin: germline.
Comment: The p.R693H variant (also known as c.2078G>A), located in coding exon 11 of the RET gene, results from a G to A substitution at nucleotide position 2078. The arginine at codon 693 is replaced by histidine, an amino acid with highly similar properties. This amino acid position is highly conserved in available vertebrate species. In addition, the in silico prediction for this alteration is inconclusive. Since supporting evidence is limited at this time, the clinical significance of this alteration remains unclear.

Fulgent Genetics
Classification: Uncertain significance for Hirschsprung disease, susceptibility to, 1; Familial medullary thyroid carcinoma; Multiple endocrine neoplasia type 2B; Pheochromocytoma; Multiple endocrine neoplasia type 2A. Last evaluated: 2021-09-16. Review status: criteria provided, single submitter. Criteria: ACMG Guidelines, 2015. Collection method: clinical testing. Allele origin: unknown.

Literature cited by the submitters: PubMed 25151137 (cited by Labcorp Genetics (formerly Invitae), Labcorp and Women's Health and Genetics/Laboratory Corporation of America, LabCorp); PubMed 32293499 (cited by Women's Health and Genetics/Laboratory Corporation of America, LabCorp and All of Us Research Program, National Institutes of Health).

NM_020975.6(RET):c.2078G>A (p.Arg693His)

Gene: RET (ret proto-oncogene; plus strand). Cytogenetic location: 10q11.21.
Variant type: single nucleotide variant.
Coding change: c.2078G>A on transcript NM_020975.6 (MANE Select); coding-DNA position 2078, G replaced by A.
Protein change: p.Arg693His; replaces arginine 693 with histidine.
Molecular consequence: missense variant.
Genome position (GRCh38, 1-based): chr10:43,114,678, G>A. VCF-style: chr10-43114678-G-A. GRCh37 (hg19) VCF-style: chr10-43610126-G-A.
Other names: c.2078G>A, p.Arg693His (NM_000323.2, NM_001406743.1, NM_001406744.1 and 4 more transcripts); c.1316G>A, p.Arg439His (NM_001355216.2); c.1949G>A, p.Arg650His (NM_001406761.1, NM_001406762.1, NM_001406764.1); c.1943G>A, p.Arg648His (NM_001406763.1, NM_001406765.1); c.1790G>A, p.Arg597His (NM_001406766.1, NM_001406767.1, NM_001406770.1); c.1814G>A, p.Arg605His (NM_001406768.1); c.1682G>A, p.Arg561His (NM_001406769.1, NM_001406772.1); c.1640G>A, p.Arg547His (NM_001406771.1, NM_001406773.1); and 11 more; short protein forms R693H, R439H, R451H, R648H, R650H, R351H, R363H, R394H.
Identifiers: ClinVar variation 959187 (VCV000959187.15), dbSNP rs1332256523, ClinGen allele CA376553265.